The following is an entry in ClinVar:

NM_201384.3(PLEC):c.7178G>A (p.Ser2393Asn)

Gene: PLEC (plectin; minus strand). Cytogenetic location: 8q24.3.
Variant type: single nucleotide variant.
Coding change: c.7178G>A on transcript NM_201384.3 (MANE Select); coding-DNA position 7178, G replaced by A.
Protein change: p.Ser2393Asn; replaces serine 2393 with asparagine.
Molecular consequence: missense variant. On other transcripts: intron variant (1).
Genome position (GRCh38, 1-based): chr8:143,922,751, C>T on the plus strand (G>A on the coding strand, the complement: PLEC is on the minus strand). VCF-style: chr8-143922751-C-T. GRCh37 (hg19) VCF-style: chr8-144996919-C-T.
Other names: c.7259G>A, p.Ser2420Asn (NM_000445.5); c.7136G>A, p.Ser2379Asn (NM_201378.4); c.7112G>A, p.Ser2371Asn (NM_201379.3); c.7589G>A, p.Ser2530Asn (NM_201380.4); c.7082G>A, p.Ser2361Asn (NM_201381.3); c.7178G>A, p.Ser2393Asn (NM_201382.4); c.7190G>A, p.Ser2397Asn (NM_201383.3); c.4126-356G>A (NM_001410941.1); short protein forms S2379N, S2420N, S2397N, S2361N, S2371N, S2393N, S2530N.
Identifiers: ClinVar variation 2936035 (VCV002936035.3), dbSNP rs1554690399, ClinGen allele CA372529232.

ClinVar aggregate classification (germline): Uncertain significance (1 of 4 stars; one submission).

Conditions:
Epidermolysis bullosa simplex with nail dystrophy (EBS5D). Identifiers: MedGen C4225309, MONDO:0014661, OMIM 616487.
Epidermolysis bullosa simplex 5C, with pyloric atresia (EBS5C). Also called: PLEC-Related Epidermolysis Bullosa with Pyloric Atresia; Epidermolysis bullosa simplex with pyloric atresia; PLEC1-Related Epidermolysis Bullosa with Pyloric Atresia. Identifiers: Orphanet 158684, MedGen C2677349, MONDO:0012807, OMIM 612138.
Autosomal recessive limb-girdle muscular dystrophy type 2Q (LGMDR17). Also called: MUSCULAR DYSTROPHY, LIMB-GIRDLE, AUTOSOMAL RECESSIVE 17. Identifiers: Orphanet 254361, MedGen C3150989, MONDO:0013390, OMIM 613723.
Epidermolysis bullosa simplex, Ogna type (EBS5A). Also called: Pidermolysis bullosa simplex 5A, Ogna type; EPIDERMOLYSIS BULLOSA SIMPLEX 5A, OGNA TYPE. Identifiers: Orphanet 79401, MedGen C0432317, MONDO:0007555, OMIM 131950.
Epidermolysis bullosa simplex 5B, with muscular dystrophy (EBS5B). Also called: EPIDERMOLYSIS BULLOSA SIMPLEX AND LIMB-GIRDLE MUSCULAR DYSTROPHY; Epidermolysis bullosa simplex with muscular dystrophy. Identifiers: Orphanet 257, MedGen C2931072, MONDO:0009181, OMIM 226670.

Allele frequency attached by ClinVar (database versions not stated): gnomAD exomes below 0.00001.
gnomAD v4.1: 1 of 1,609,394 alleles (0.000062%); highest among the groups gnomAD compares: Non-Finnish European, 0.000085%; no homozygotes.

Submission:

Labcorp Genetics (formerly Invitae), Labcorp
Classification: Uncertain significance for Autosomal recessive limb-girdle muscular dystrophy type 2Q; Epidermolysis bullosa simplex, Ogna type; Epidermolysis bullosa simplex with nail dystrophy; Epidermolysis bullosa simplex 5C, with pyloric atresia; Epidermolysis bullosa simplex 5B, with muscular dystrophy. Last evaluated: 2023-08-27. Review status: criteria provided, single submitter. Criteria: Invitae Variant Classification Sherloc (09022015). Collection method: clinical testing. Allele origin: germline.
Comment: Advanced modeling of protein sequence and biophysical properties (such as structural, functional, and spatial information, amino acid conservation, physicochemical variation, residue mobility, and thermodynamic stability) performed at Invitae indicates that this missense variant is not expected to disrupt PLEC protein function. In summary, the available evidence is currently insufficient to determine the role of this variant in disease. Therefore, it has been classified as a Variant of Uncertain Significance. This variant has not been reported in the literature in individuals affected with PLEC-related conditions. This variant is not present in population databases (gnomAD no frequency). This sequence change replaces serine, which is neutral and polar, with asparagine, which is neutral and polar, at codon 2420 of the PLEC protein (p.Ser2420Asn).